The following is an entry in ClinVar:

ClinVar aggregate classification (germline): Pathogenic (1 of 4 stars; one submission).

Conditions:
Familial thoracic aortic aneurysm and aortic dissection (TAAD). Also called: Thoracic aortic aneurysms and dissections. Identifiers: Orphanet 91387, MedGen C4707243, MONDO:0019625.

Submission:

Labcorp Genetics (formerly Invitae), Labcorp
Classification: Pathogenic for Familial thoracic aortic aneurysm and aortic dissection. Last evaluated: 2018-08-20. Review status: criteria provided, single submitter. Criteria: Invitae Variant Classification Sherloc (09022015). Collection method: clinical testing. Allele origin: germline.
Comment: This sequence change creates a premature translational stop signal (p.Glu302Argfs*39) in the SMAD3 gene. It is expected to result in an absent or disrupted protein product. This variant is not present in population databases (ExAC no frequency). This variant has not been reported in the literature in individuals with SMAD3-related disease. Loss-of-function variants in SMAD3 are known to be pathogenic (PMID: 21778426, 24804794). For these reasons, this variant has been classified as Pathogenic.

NM_005902.4(SMAD3):c.904del (p.Glu302fs)

Gene: SMAD3 (SMAD family member 3; plus strand). Cytogenetic location: 15q22.33.
Variant type: Deletion.
Coding change: c.904del on transcript NM_005902.4 (MANE Select); coding-DNA position 904, one base deleted (G; older notation c.904delG).
Protein change: p.Glu302fs; shifts the reading frame from glutamic acid 302.
Molecular consequence: frameshift variant.
Genome position (GRCh38, 1-based): chr15:67,184,759, G deleted; the last of 4 consecutive G bases (chr15:67,184,756-67,184,759); deleting any one gives the same sequence. VCF-style (leftmost placement, unchanged base first): chr15-67184755-AG-A. GRCh37 (hg19) VCF-style: chr15-67477093-AG-A.
Other names: c.589del, p.Glu197fs (NM_001145102.2); c.772del, p.Glu258fs (NM_001145103.2); c.319del, p.Glu107fs (NM_001145104.2); short protein forms E258fs, E197fs, E302fs, E107fs.
Identifiers: ClinVar variation 653155 (VCV000653155.1), dbSNP rs1060500770, ClinGen allele CA915946046.